The following is an entry in ClinVar:

ClinVar aggregate classification (germline): Conflicting classifications of pathogenicity. Review status: criteria provided, conflicting classifications (1 of 4 stars). 10 submissions from 10 submitters: Uncertain significance (4); Likely benign (6). Last evaluated 2026-06-26.

Conditions:
Cardiovascular phenotype. Identifiers: MedGen CN230736.
TTN-related disorder. Also called: TTN-related condition; TTN-related disease; TTN-related disorders.
Dilated cardiomyopathy 1G (CMD1G). Identifiers: Orphanet 154, MedGen C1858763, MONDO:0011400, OMIM 604145.
Autosomal recessive limb-girdle muscular dystrophy type 2J (LGMDR10). Also called: Limb-girdle muscular dystrophy, type 2J; MUSCULAR DYSTROPHY, LIMB-GIRDLE, AUTOSOMAL RECESSIVE 10. Identifiers: Orphanet 140922, MedGen C1837342, MONDO:0012127, OMIM 608807.

Allele frequency attached by ClinVar (database versions not stated): gnomAD exomes 0.00002 and 0.00006; ExAC 0.00023; gnomAD 0.00027 and 0.00028; ESP Exome Variant Server 0.00034; TOPMed 0.00037; 1000 Genomes Project 0.00060; 1000 Genomes Project 30x 0.00062.
gnomAD v4.1: 76 of 1,475,716 alleles (0.0052%); highest among the groups gnomAD compares: African/African-American, 0.093%; no homozygotes.

Submissions (10):

PreventionGenetics, part of Exact Sciences
Classification: Uncertain significance for TTN-related condition. Last evaluated: 2026-06-26. Review status: criteria provided, single submitter. Criteria: ACMG Guidelines, 2015. Collection method: clinical testing. Allele origin: germline.
Comment: The TTN c.40903G>A variant is predicted to result in the amino acid substitution p.Ala13635Thr. This variant has been documented in a cohort of individuals with inherited arrhythmogenic syndromes (variant referred to as c.33199G>A (p.Ala11067Thr) in Martínez-Barrios et al. 2022. PubMed ID: 35207729). This variant is reported in 0.10% of alleles in individuals of African descent in gnomAD. Although we suspect that this variant may be benign, at this time, the clinical significance of this variant is uncertain due to the absence of conclusive functional and genetic evidence.

Women's Health and Genetics/Laboratory Corporation of America, LabCorp
Classification: Likely benign. Last evaluated: 2025-05-13. Review status: criteria provided, single submitter. Criteria: LabCorp Variant Classification Summary - May 2015. Collection method: clinical testing. Allele origin: germline.
Comment: Variant summary: TTN c.33199G>A (p.Ala11067Thr) results in a non-conservative amino acid change located in the I-band region of the encoded protein sequence. Algorithms developed to predict the effect of missense changes on protein structure and function are either unavailable or do not agree on the potential impact of this missense change. The variant allele was found at a frequency of 0.0001 in 187210 control chromosomes, predominantly at a frequency of 0.001 within the African or African-American subpopulation in the gnomAD database. The observed variant frequency within African or African-American control individuals in the gnomAD database is approximately 2.56 fold of the estimated maximal expected allele frequency for a pathogenic variant in TTN causing Autosomal Recessive Titinopathy phenotype (0.00039). c.33199G>A has been observed in individual(s) affected with Inherited Arrhythmogenic Syndromes and was evaluated as Likely Benign (Martinez-Barrios_2022). These report(s) do not provide unequivocal conclusions about association of the variant with Autosomal Recessive Titinopathy. To our knowledge, no experimental evidence demonstrating an impact on protein function has been reported. The following publication has been ascertained in the context of this evaluation (PMID: 35207729). ClinVar contains an entry for this variant (Variation ID: 166074). Based on the evidence outlined above, the variant was classified as likely benign.

Molecular Diagnostic Laboratory for Inherited Cardiovascular Disease, Montreal Heart Institute
Classification: Likely benign. Last evaluated: 2025-04-09. Review status: criteria provided, single submitter. Criteria: ACMG Guidelines, 2015. Collection method: clinical testing. Allele origin: germline. Affected: no.

Mayo Clinic Laboratories, Mayo Clinic
Classification: Likely benign. Last evaluated: 2025-04-08. Review status: criteria provided, single submitter. Criteria: ACMG Guidelines, 2015. Collection method: clinical testing. Allele origin: germline. Observed: 1 variant allele.
Comment: BP1, BP4_moderate

Blueprint Genetics
Classification: Likely benign. Last evaluated: 2024-05-03. Review status: criteria provided, single submitter. Criteria: ACMG Guidelines, 2015. Collection method: clinical testing. Allele origin: germline.

GeneDx
Classification: Likely benign. Last evaluated: 2020-11-10. Review status: criteria provided, single submitter. Criteria: GeneDx Variant Classification Process June 2021. Collection method: clinical testing. Allele origin: germline. Affected: yes.

Revvity Omics, Revvity
Classification: Uncertain significance. Last evaluated: 2020-09-09. Review status: criteria provided, single submitter. Criteria: ACMG Guidelines, 2015. Collection method: clinical testing. Allele origin: germline.

Ambry Genetics
Classification: Likely benign for Cardiovascular phenotype. Last evaluated: 2020-03-31. Review status: criteria provided, single submitter. Criteria: Ambry Variant Classification Scheme 2023. Collection method: clinical testing. Allele origin: germline.

Labcorp Genetics (formerly Invitae), Labcorp
Classification: Uncertain significance for Dilated cardiomyopathy 1G; Autosomal recessive limb-girdle muscular dystrophy type 2J. Last evaluated: 2017-05-31. Review status: criteria provided, single submitter. Criteria: Invitae Variant Classification Sherloc (09022015). Collection method: clinical testing. Allele origin: germline.

Laboratory for Molecular Medicine, Mass General Brigham Personalized Medicine
Classification: Uncertain significance. Last evaluated: 2014-05-01. Review status: criteria provided, single submitter. Criteria: LMM Criteria. Collection method: clinical testing. Allele origin: germline. Observed: 1 variant allele.
Comment: Variant classified as Uncertain Significance - Favor Benign. The Ala11067Thr var iant in TTN has not been previously reported in individuals with cardiomyopathy, but has been identified in 0.1% (4/3620) of African American chromosomes by the NHLBI Exome Sequencing Project (dbSNP rs1916 99632). Computational prediction tools and conservation analysis suggest that th e Ala11067Thr variant may not impact the protein, though this information is not predictive enough to rule out pathogenicity. In summary, while the clinical sig nificance of the Ala11067Thr variant is uncertain, its frequency suggest that it is more likely to be benign.

Literature cited by the submitters: PubMed 35207729 (cited by Women's Health and Genetics/Laboratory Corporation of America, LabCorp).

NM_001267550.2(TTN):c.40903G>A (p.Ala13635Thr)

Gene: TTN (titin; minus strand). Cytogenetic location: 2q31.2.
Variant type: single nucleotide variant.
Coding change: c.40903G>A on transcript NM_001267550.2 (MANE Select); coding-DNA position 40903, G replaced by A.
Protein change: p.Ala13635Thr; replaces alanine 13635 with threonine.
Molecular consequence: missense variant.
Genome position (GRCh38, 1-based): chr2:178,637,393, C>T on the plus strand (G>A on the coding strand, the complement: TTN is on the minus strand). VCF-style: chr2-178637393-C-T. GRCh37 (hg19) VCF-style: chr2-179502120-C-T.
Other names: p.A11994T:GCC>ACC; p.Ala11994Thr; c.13708G>A, p.Ala4570Thr (NM_003319.4); c.14083G>A, p.Ala4695Thr (NM_133432.3); c.14284G>A, p.Ala4762Thr (NM_133437.4); c.35980G>A, p.Ala11994Thr (NM_001256850.1); c.33199G>A, p.Ala11067Thr (NM_133378.4); short protein forms A11067T, A13635T, A11994T, A4762T, A4570T, A4695T.
Identifiers: ClinVar variation 166074 (VCV000166074.18), dbSNP rs191699632, ClinGen allele CA178861.